The following is an entry in ClinVar:

ClinVar aggregate classification (germline): Uncertain significance (1 of 4 stars; one submission).

Conditions:
Ichthyosis linearis circumflexa. Identifiers: MedGen C0265962, MONDO:0043106, HP:0025810.

Submission:

Labcorp Genetics (formerly Invitae), Labcorp
Classification: Uncertain significance for Ichthyosis linearis circumflexa. Last evaluated: 2024-07-29. Review status: criteria provided, single submitter. Criteria: Invitae Variant Classification Sherloc (09022015). Collection method: clinical testing. Allele origin: germline.
Comment: This sequence change replaces glutamic acid, which is acidic and polar, with lysine, which is basic and polar, at codon 978 of the SPINK5 protein (p.Glu978Lys). This variant is not present in population databases (gnomAD no frequency). This variant has not been reported in the literature in individuals affected with SPINK5-related conditions. ClinVar contains an entry for this variant (Variation ID: 1999987). An algorithm developed to predict the effect of missense changes on protein structure and function (PolyPhen-2) suggests that this variant is likely to be tolerated. In summary, the available evidence is currently insufficient to determine the role of this variant in disease. Therefore, it has been classified as a Variant of Uncertain Significance.

NM_006846.4(SPINK5):c.2932G>A (p.Glu978Lys)

Gene: SPINK5 (serine peptidase inhibitor Kazal type 5; plus strand). Cytogenetic location: 5q32.
Variant type: single nucleotide variant.
Coding change: c.2932G>A on transcript NM_006846.4 (MANE Select); coding-DNA position 2932, G replaced by A.
Protein change: p.Glu978Lys; replaces glutamic acid 978 with lysine.
Molecular consequence: missense variant.
Genome position (GRCh38, 1-based): chr5:148,127,047, G>A. VCF-style: chr5-148127047-G-A. GRCh37 (hg19) VCF-style: chr5-147506610-G-A.
Other names: c.3022G>A, p.Glu1008Lys (NM_001127698.2); short protein forms E1008K, E978K.
Identifiers: ClinVar variation 1999987 (VCV001999987.4), dbSNP rs1343205870, ClinGen allele CA361650837.
Genomic context (GRCh38, chr5:148,127,047, plus strand): 5'-ACAGAAGCTTTGGAAAGGGCAAAGCTTCAAGAAAAGCCATCCCATGTTAGAGCTTCTCAA[G>A]AGGAAGACAGCCCAGACTCTTTCAGTTCTCTGGTAAGGAGGACTATTTCTGAAAAGCTAC-3'
Protein context (NP_006837.2, residues 968-988): EKPSHVRASQ[Glu978Lys]EDSPDSFSSL